The following is an entry in ClinVar:

NM_017563.5(IL17RD):c.1806C>T (p.Cys602=)

Genes: IL17RD (interleukin 17 receptor D; minus strand), LOC126806689 (BRD4-independent group 4 enhancer GRCh37_chr3:57131244-57132443; plus strand). Cytogenetic location: 3p14.3.
Variant type: single nucleotide variant.
Coding change: c.1806C>T on transcript NM_017563.5 (MANE Select); coding-DNA position 1806, C replaced by T.
Protein change: p.Cys602=; no amino-acid change (cysteine 602 retained).
Molecular consequence: synonymous variant.
Genome position (GRCh38, 1-based): chr3:57,097,897, G>A on the plus strand (C>T on the coding strand, the complement: IL17RD is on the minus strand). VCF-style: chr3-57097897-G-A. GRCh37 (hg19) VCF-style: chr3-57131925-G-A.
Other names: c.1374C>T, p.Cys458= (NM_001318864.2).
Identifiers: ClinVar variation 3350627 (VCV003350627.1).

ClinVar aggregate classification (germline): Likely benign (0 of 4 stars; one submission).

Conditions:
IL17RD-related disorder. Also called: IL17RD-related condition.

gnomAD v4.1: 47 of 1,613,952 alleles (0.0029%); highest among the groups gnomAD compares: South Asian, 0.051%; no homozygotes.

Submission:

PreventionGenetics, part of Exact Sciences
Classification: Likely benign for IL17RD-related condition. Last evaluated: 2019-11-21. Review status: no assertion criteria provided. Collection method: clinical testing. Allele origin: germline.
Comment: This variant is classified as likely benign based on ACMG/AMP sequence variant interpretation guidelines (Richards et al. 2015 PMID: 25741868, with internal and published modifications).